The following is an entry in ClinVar:

ClinVar aggregate classification (germline): Likely benign. Review status: criteria provided, multiple submitters, no conflicts (2 of 4 stars). 2 submissions from 2 submitters: Likely benign (2). Last evaluated 2018-06-16.

Allele frequency attached by ClinVar (database versions not stated): 1000 Genomes Project 0.00519; 1000 Genomes Project 30x 0.00562; gnomAD 0.01014 and 0.01017; TOPMed 0.01043; gnomAD exomes 0.01420.
gnomAD v4.1: 20,035 of 1,455,350 alleles (1.4%); highest among the groups gnomAD compares: Non-Finnish European, 1.7%; 188 homozygotes.

Submissions (2):

GeneDx
Classification: Likely benign. Last evaluated: 2018-06-16. Review status: criteria provided, single submitter. Criteria: GeneDx Variant Classification (06012015). Collection method: clinical testing. Allele origin: germline. Affected: yes.
Comment: This variant is considered likely benign or benign based on one or more of the following criteria: it is a conservative change, it occurs at a poorly conserved position in the protein, it is predicted to be benign by multiple in silico algorithms, and/or has population frequency not consistent with disease.

Breakthrough Genomics
Classification: Likely benign. Review status: criteria provided, single submitter. Criteria: ACMG Guidelines, 2015. Collection method: not provided. Allele origin: germline. Inheritance: Autosomal recessive inheritance. Affected: yes.

NM_017775.4(TTC19):c.424-72G>A

Gene: TTC19 (tetratricopeptide repeat domain 19; plus strand). Cytogenetic location: 17p12.
Variant type: single nucleotide variant.
Coding change: c.424-72G>A on transcript NM_017775.4 (MANE Select); 72 bases into the intron before coding-DNA position 424, G replaced by A.
Molecular consequence: intron variant.
Genome position (GRCh38, 1-based): chr17:16,002,721, G>A. VCF-style: chr17-16002721-G-A. GRCh37 (hg19) VCF-style: chr17-15906035-G-A.
Other names: c.103-72G>A (NM_001271420.2).
Identifiers: ClinVar variation 674450 (VCV000674450.2), dbSNP rs144889411, ClinGen allele CA15896675.
Genomic context (GRCh38, chr17:16,002,721, plus strand): 5'-ATTGGTGATGTGCTTTTCATTTTCAACTATTTTTTAAATTTTGAGGGTGAAAGCAAAAGG[G>A]AATTTTAAAGTTTTGAAATAAGTAGGAACACAGTATTCTAAACTGAAAAACAATTTGTAA-3'